The following is an entry in ClinVar:

NM_000051.4(ATM):c.8253T>C (p.Thr2751=)

Genes: ATM (ATM serine/threonine kinase; plus strand), C11orf65 (chromosome 11 open reading frame 65; minus strand). Cytogenetic location: 11q22.3.
Variant type: single nucleotide variant.
Coding change: c.8253T>C on transcript NM_000051.4 (MANE Select); coding-DNA position 8253, T replaced by C.
Protein change: p.Thr2751=; no amino-acid change (threonine 2751 retained).
Molecular consequence: synonymous variant. On other transcripts: intron variant (2).
Genome position (GRCh38, 1-based): chr11:108,335,946, T>C. VCF-style: chr11-108335946-T-C. GRCh37 (hg19) VCF-style: chr11-108206673-T-C.
Other names: c.8253T>C, p.Thr2751= (NM_001351834.2); c.641-26875A>G (NM_001330368.2); c.695-654A>G (NM_001351110.2).
Identifiers: ClinVar variation 3254096 (VCV003254096.1), dbSNP rs2136699703.

ClinVar aggregate classification (germline): Benign/Likely benign. Review status: criteria provided, multiple submitters, no conflicts (2 of 4 stars). 2 submissions from 2 submitters: Benign (1); Likely benign (1). Last evaluated 2026-01-09.

Conditions:
Ataxia-telangiectasia syndrome (AT). Also called: AT, COMPLEMENTATION GROUP C; Ataxia-telangiectasia, complementation group D; ATAXIA-TELANGIECTASIA, COMPLEMENTATION GROUP A; ATAXIA-TELANGIECTASIA, FRESNO VARIANT; Ataxia-telangiectasia; Ataxia-telangiectasia, complementation group E. Identifiers: Orphanet 100, MedGen C0004135, MONDO:0008840, OMIM 208900.
Familial cancer of breast. Also called: hereditary breast carcinoma; BREAST CANCER, FAMILIAL; Hereditary breast cancer. Identifiers: Orphanet 227535, MedGen C0346153, MONDO:0016419, OMIM 114480. Disease mechanism: loss of function.

Submissions (2):

Labcorp Genetics (formerly Invitae), Labcorp
Classification: Likely benign for Ataxia-telangiectasia syndrome. Last evaluated: 2026-01-09. Review status: criteria provided, single submitter. Criteria: Invitae Variant Classification Sherloc (09022015). Collection method: clinical testing. Allele origin: germline.

Myriad Genetics, Inc.
Classification: Benign for Familial cancer of breast. Last evaluated: 2024-06-18. Review status: criteria provided, single submitter. Criteria: Myriad Autosomal Dominant, Autosomal Recessive and X-Linked Classification Criteria (2023). Collection method: clinical testing. Allele origin: unknown.
Comment: This variant is considered benign. This variant is a silent/synonymous amino acid change and it is not expected to impact splicing.